The following is an entry in ClinVar:

ClinVar aggregate classification (germline): Uncertain significance (1 of 4 stars; one submission).

Submission:

Dasa
Classification: Uncertain significance. Last evaluated: 2024-08-28. Review status: criteria provided, single submitter. Criteria: DASA Assertion Criteria. Collection method: clinical testing. Allele origin: germline.
Comment: NM_017635.5(KMT5B):c.2131A>G (p.Asn711Asp) is a missense variant that results in the substitution of asparagine with aspartic acid. This variant is absent from population databases. Computational prediction algorithms are consistent with a benign effect. The currently available literature and clinical evidence are not sufficient to establish a definitive association between this variant and the reported condition. Therefore, this variant is classified as a variant of uncertain significance.

NM_017635.5(KMT5B):c.2131A>G (p.Asn711Asp)

Gene: KMT5B (lysine methyltransferase 5B; minus strand). Cytogenetic location: 11q13.2.
Variant type: single nucleotide variant.
Coding change: c.2131A>G on transcript NM_017635.5 (MANE Select); coding-DNA position 2131, A replaced by G.
Protein change: p.Asn711Asp; replaces asparagine 711 with aspartic acid.
Molecular consequence: missense variant.
Genome position (GRCh38, 1-based): chr11:68,158,215, T>C on the plus strand (A>G on the coding strand, the complement: KMT5B is on the minus strand). VCF-style: chr11-68158215-T-C. GRCh37 (hg19) VCF-style: chr11-67925682-T-C.
Other names: c.1615A>G, p.Asn539Asp (NM_001300907.1, NM_001369428.1, NM_001369429.1 and 4 more transcripts); c.1411A>G, p.Asn471Asp (NM_001300908.2); c.2131A>G, p.Asn711Asp (NM_001369426.1); short protein forms N471D, N539D, N711D.
Identifiers: ClinVar variation 4882600 (VCV004882600.2).